The following is an entry in ClinVar:

ClinVar aggregate classification (germline): Uncertain significance (1 of 4 stars; one submission).

Conditions:
Renal cell carcinoma. Identifiers: Orphanet 217071, MedGen C0007134, MeSH D002292, MONDO:0005086, HP:0005584.

Submission:

Labcorp Genetics (formerly Invitae), Labcorp
Classification: Uncertain significance for Renal cell carcinoma. Last evaluated: 2024-11-25. Review status: criteria provided, single submitter. Criteria: Invitae Variant Classification Sherloc (09022015). Collection method: clinical testing. Allele origin: germline.
Comment: This sequence change replaces phenylalanine, which is neutral and non-polar, with valine, which is neutral and non-polar, at codon 314 of the MET protein (p.Phe314Val). This variant is not present in population databases (gnomAD no frequency). This variant has not been reported in the literature in individuals affected with MET-related conditions. ClinVar contains an entry for this variant (Variation ID: 1437070). Invitae Evidence Modeling of protein sequence and biophysical properties (such as structural, functional, and spatial information, amino acid conservation, physicochemical variation, residue mobility, and thermodynamic stability) indicates that this missense variant is expected to disrupt MET protein function with a positive predictive value of 80%. In summary, the available evidence is currently insufficient to determine the role of this variant in disease. Therefore, it has been classified as a Variant of Uncertain Significance.

NM_000245.4(MET):c.940T>G (p.Phe314Val)

Gene: MET (MET proto-oncogene, receptor tyrosine kinase; plus strand). Cytogenetic location: 7q31.2.
Variant type: single nucleotide variant.
Coding change: c.940T>G on transcript NM_000245.4 (MANE Select); coding-DNA position 940, T replaced by G.
Protein change: p.Phe314Val; replaces phenylalanine 314 with valine.
Molecular consequence: missense variant. On other transcripts: intron variant (1).
Genome position (GRCh38, 1-based): chr7:116,700,024, T>G. VCF-style: chr7-116700024-T-G. GRCh37 (hg19) VCF-style: chr7-116340078-T-G.
Other names: c.940T>G, p.Phe314Val (NM_001127500.3, NM_001324401.3); c.-91+27447T>G (NM_001324402.2); short protein forms F314V.
Identifiers: ClinVar variation 1437070 (VCV001437070.8), dbSNP rs2116601372, ClinGen allele CA368970195.